The following is an entry in ClinVar:

ClinVar aggregate classification (germline): Likely benign. Review status: criteria provided, multiple submitters, no conflicts (2 of 4 stars). 6 submissions from 6 submitters: Likely benign (6). Last evaluated 2026-01-12.

Conditions:
Cardiac arrhythmia. Also called: Arrhythmia; Cardiac rhythm disease. Identifiers: MedGen C0003811, MONDO:0007263, HP:0011675.
Long QT syndrome (LQTS). Identifiers: MedGen C0023976, MeSH D008133, MONDO:0002442. Disease mechanism: loss of function. Inheritance: Various modes of inheritance.
Cardiovascular phenotype. Identifiers: MedGen CN230736.

Allele frequency attached by ClinVar (database versions not stated): gnomAD exomes 0.00002; TOPMed 0.00002; ExAC 0.00003; gnomAD 0.00003.
gnomAD v4.1: 29 of 1,590,966 alleles (0.0018%); highest among the groups gnomAD compares: African/African-American, 0.0027%; no homozygotes.

Submissions (6):

Labcorp Genetics (formerly Invitae), Labcorp
Classification: Likely benign for Long QT syndrome. Last evaluated: 2026-01-12. Review status: criteria provided, single submitter. Criteria: Invitae Variant Classification Sherloc (09022015). Collection method: clinical testing. Allele origin: germline.

All of Us Research Program, National Institutes of Health
Classification: Likely benign for Long QT syndrome. Last evaluated: 2023-11-30. Review status: criteria provided, single submitter. Criteria: ACMG Guidelines, 2015. Collection method: clinical testing. Allele origin: germline. Inheritance: Autosomal dominant inheritance. Observed: 8 variant alleles, 8 heterozygotes.
Comment: This study involves interpretation of variants in research participants for the purpose of population health screening. Participant phenotype was not available at the time of variant classification. Additional details can be found in publication PMID: 35346344, PMCID: PMC8962531

Ambry Genetics
Classification: Likely benign for Cardiovascular phenotype. Last evaluated: 2023-07-27. Review status: criteria provided, single submitter. Criteria: Ambry Variant Classification Scheme 2023. Collection method: clinical testing. Allele origin: germline.

CeGaT Center for Human Genetics Tuebingen
Classification: Likely benign. Last evaluated: 2022-09-01. Review status: criteria provided, single submitter. Criteria: CeGaT Center For Human Genetics Tuebingen Variant Classification Criteria Version 2. Collection method: clinical testing. Allele origin: germline. Affected: yes. Observed: 1 variant allele.
Comment: KCNH2: BP4, BP7

Blueprint Genetics
Classification: Likely benign. Last evaluated: 2021-11-16. Review status: criteria provided, single submitter. Criteria: ACMG Guidelines, 2015. Collection method: clinical testing. Allele origin: germline.

Color Diagnostics, LLC DBA Color Health
Classification: Likely benign for Arrhythmia. Last evaluated: 2019-03-11. Review status: criteria provided, single submitter. Criteria: ACMG Guidelines, 2015. Collection method: clinical testing. Allele origin: germline.

NM_000238.4(KCNH2):c.3459C>T (p.His1153=)

Gene: KCNH2 (potassium voltage-gated channel subfamily H member 2; minus strand). Cytogenetic location: 7q36.1.
Variant type: single nucleotide variant.
Coding change: c.3459C>T on transcript NM_000238.4 (MANE Select); coding-DNA position 3459, C replaced by T.
Protein change: p.His1153=; no amino-acid change (histidine 1153 retained).
Molecular consequence: synonymous variant.
Genome position (GRCh38, 1-based): chr7:150,945,386, G>A on the plus strand (C>T on the coding strand, the complement: KCNH2 is on the minus strand). VCF-style: chr7-150945386-G-A. GRCh37 (hg19) VCF-style: chr7-150642474-G-A.
Other names: c.2439C>T, p.His813= (NM_172057.3).
Identifiers: ClinVar variation 456932 (VCV000456932.42), dbSNP rs755599756, ClinGen allele CA039085.